The following is an entry in ClinVar:

NM_000270.4(PNP):c.575A>G (p.Tyr192Cys)

Gene: PNP (purine nucleoside phosphorylase; plus strand). Cytogenetic location: 14q11.2.
Variant type: single nucleotide variant.
Coding change: c.575A>G on transcript NM_000270.4 (MANE Select); coding-DNA position 575, A replaced by G.
Protein change: p.Tyr192Cys; replaces tyrosine 192 with cysteine.
Molecular consequence: missense variant.
Genome position (GRCh38, 1-based): chr14:20,475,175, A>G. VCF-style: chr14-20475175-A-G. GRCh37 (hg19) VCF-style: chr14-20943334-A-G.
Other names: c.575A>G (NM_000270.3); short protein forms Y192C.
Identifiers: ClinVar variation 13993 (VCV000013993.4), dbSNP rs104894452, ClinGen allele CA123680.

ClinVar aggregate classification (germline): Conflicting classifications of pathogenicity. Review status: criteria provided, conflicting classifications (1 of 4 stars). 3 submissions from 3 submitters: Likely pathogenic (1); Uncertain significance (1). 1 of the submissions does not count toward it. Last evaluated 2024-06-20.

Conditions:
Purine-nucleoside phosphorylase deficiency. Also called: Immunodeficiency due to purine nucleoside phosphorylase deficiency; NUCLEOSIDE PHOSPHORYLASE DEFICIENCY. Identifiers: Orphanet 760, MedGen C0268125, MONDO:0013171, OMIM 613179.

Allele frequency attached by ClinVar (database versions not stated): gnomAD exomes below 0.00001; TOPMed 0.00001.

Submissions (3):

Fulgent Genetics
Classification: Likely pathogenic for Purine-nucleoside phosphorylase deficiency. Last evaluated: 2024-06-20. Review status: criteria provided, single submitter. Criteria: ACMG Guidelines, 2015. Collection method: clinical testing. Allele origin: germline.

Women's Health and Genetics/Laboratory Corporation of America, LabCorp
Classification: Uncertain significance. Last evaluated: 2023-08-14. Review status: criteria provided, single submitter. Criteria: LabCorp Variant Classification Summary - May 2015. Collection method: clinical testing. Allele origin: germline.
Comment: Variant summary: PNP c.575A>G (p.Tyr192Cys) results in a non-conservative amino acid change located in the nucleoside phosphorylase domain (IPR000845) of the encoded protein sequence. Five of five in-silico tools predict a damaging effect of the variant on protein function. The variant was absent in 251452 control chromosomes (gnomAD). The available data on variant occurrences in the general population are insufficient to allow any conclusion about variant significance. c.575A>G has been reported in the literature in an individual affected with PNP-deficient Severe Combined Immunodeficiency (example: Pannicke-1996). These data do not allow any conclusion about variant significance. To our knowledge, no experimental evidence demonstrating an impact on protein function has been reported. The following publication has been ascertained in the context of this evaluation (PMID: 8931706). No submitters have cited clinical-significance assessments for this variant to ClinVar after 2014. Based on the evidence outlined above, the variant was classified as uncertain significance.

OMIM
Classification: Pathogenic for NUCLEOSIDE PHOSPHORYLASE DEFICIENCY. Last evaluated: 1996-12-01. Review status: no assertion criteria provided. Collection method: literature only. Allele origin: germline. Not counted in ClinVar's aggregate classification.

Literature cited by the submitters: PubMed 8931706 (cited by Women's Health and Genetics/Laboratory Corporation of America, LabCorp and OMIM).